The following is an entry in ClinVar:

NM_000102.4(CYP17A1):c.1216T>C (p.Trp406Arg)

Gene: CYP17A1 (cytochrome P450 family 17 subfamily A member 1; minus strand). Cytogenetic location: 10q24.32.
Variant type: single nucleotide variant.
Coding change: c.1216T>C on transcript NM_000102.4 (MANE Select); coding-DNA position 1216, T replaced by C.
Protein change: p.Trp406Arg; replaces tryptophan 406 with arginine.
Molecular consequence: missense variant.
Genome position (GRCh38, 1-based): chr10:102,831,535, A>G on the plus strand (T>C on the coding strand, the complement: CYP17A1 is on the minus strand). VCF-style: chr10-102831535-A-G. GRCh37 (hg19) VCF-style: chr10-104591292-A-G.
Other names: c.1216T>C (NM_000102.3); short protein forms W406R.
Identifiers: ClinVar variation 1797 (VCV000001797.11), dbSNP rs104894143, ClinGen allele CA115193.

ClinVar aggregate classification (germline): Pathogenic. Review status: criteria provided, multiple submitters, no conflicts (2 of 4 stars). 5 submissions from 5 submitters: Pathogenic (4). 1 of the submissions does not count toward it. Last evaluated 2026-02-03.

Conditions:
Deficiency of steroid 17-alpha-monooxygenase. Also called: 17-ALPHA-HYDROXYLASE DEFICIENCY; ADRENAL HYPERPLASIA V; 17-alpha-hydroxylase/17,20-lyase deficiency; Congenital adrenal hyperplasia due to 17-alpha-hydroxylase deficiency; Congenital adrenal hyperplasia type 5. Identifiers: Orphanet 90793, MedGen C0268285, MONDO:0008730, OMIM 202110.
17-alpha-hydroxylase/17,20-lyase deficiency, combined complete. Identifiers: MedGen CN042980, MONDO:0800379.

Allele frequency attached by ClinVar (database versions not stated): TOPMed below 0.00001; gnomAD 0.00001.
gnomAD v4.1: 3 of 1,613,382 alleles (0.00019%); highest among the groups gnomAD compares: African/African-American, 0.0013%; no homozygotes.

Submissions (5):

Dasa
Classification: Pathogenic. Last evaluated: 2026-02-03. Review status: criteria provided, single submitter. Criteria: DASA Assertion Criteria. Collection method: clinical testing. Allele origin: germline.
Comment: NM_000102.4(CYP17A1):c.1216T>C (p.Trp406Arg) is a missense variant that results in the substitution of tryptophan with arginine. Segregation evidence has been reported in affected families. This variant has been observed in affected individuals with related phenotype in a genotype context consistent with recessive disease (PMID: 14671162; PMID: 14715827; PMID: 26920256). This variant has been recurrently observed in individuals with related phenotype (PMID: 14671162; PMID: 14715827; PMID: 26920256). Multiple computational predictions support a deleterious effect on the gene or gene product. The variant is present at low frequency in population datasets. Based on the available data, this variant is classified as pathogenic.

Labcorp Genetics (formerly Invitae), Labcorp
Classification: Pathogenic. Last evaluated: 2025-12-15. Review status: criteria provided, single submitter. Criteria: Invitae Variant Classification Sherloc (09022015). Collection method: clinical testing. Allele origin: germline.
Comment: This sequence change replaces tryptophan, which is neutral and slightly polar, with arginine, which is basic and polar, at codon 406 of the CYP17A1 protein (p.Trp406Arg). This variant is not present in population databases (gnomAD no frequency). This missense change has been observed in individual(s) with 17-alpha-hydroxylase deficiency (PMID: 14671162, 14715827). In at least one individual the data is consistent with being in trans (on the opposite chromosome) from a pathogenic variant. ClinVar contains an entry for this variant (Variation ID: 1797). Invitae Evidence Modeling of protein sequence and biophysical properties (such as structural, functional, and spatial information, amino acid conservation, physicochemical variation, residue mobility, and thermodynamic stability) indicates that this missense variant is expected to disrupt CYP17A1 protein function with a positive predictive value of 95%. Experimental studies have shown that this missense change affects CYP17A1 function (PMID: 14715827). For these reasons, this variant has been classified as Pathogenic.

Natera, Inc.
Classification: Pathogenic for Deficiency of steroid 17-alpha-monooxygenase. Last evaluated: 2025-01-28. Review status: criteria provided, single submitter. Criteria: Natera Variant Classification Schema (03/2026). Collection method: clinical testing. Allele origin: germline.
Comment: The c.1216T>C variant in CYP17A1 is a missense variant predicted to cause substitution of tryptophan to arginine at amino acid 406. This variant is rare in the general population with a frequency below the threshold expected for the associated phenotype(s). This variant has been observed in one or more individuals affected with the associated recessive disease, as either homozygous or compound heterozygous with a second variant (PMID: 31464148, 14715827). Additionally, this variant has been observed to segregate in affected family members (PMID: 31464148). Functional studies show that this variant may disrupt protein function (PMID: 14715827). Computational prediction algorithms indicate this variant is likely to affect gene or protein function. Given the available evidence, this variant is classified as Pathogenic.

Baylor Genetics
Classification: Pathogenic for Deficiency of steroid 17-alpha-monooxygenase. Last evaluated: 2024-03-21. Review status: criteria provided, single submitter. Criteria: ACMG Guidelines, 2015. Collection method: clinical testing. Allele origin: unknown.

OMIM
Classification: Pathogenic for 17-ALPHA-HYDROXYLASE/17,20-LYASE DEFICIENCY, COMBINED COMPLETE. Last evaluated: 2004-01-01. Review status: no assertion criteria provided. Collection method: literature only. Allele origin: germline. Not counted in ClinVar's aggregate classification.

Literature cited by the submitters: PubMed 14671162 (cited by 3 submitters); PubMed 14715827 (cited by 4 submitters); PubMed 26920256 (cited by Dasa); PubMed 31464148 (cited by Natera, Inc.).